The following is an entry in ClinVar:

NM_018699.4(PRDM5):c.946-20_946-17del

Gene: PRDM5 (PR/SET domain 5; minus strand). Cytogenetic location: 4q27.
Variant type: Deletion.
Coding change: c.946-20_946-17del on transcript NM_018699.4 (MANE Select); 20 bases into the intron before coding-DNA position 946 through 17 bases into the intron before coding-DNA position 946, 4 bases deleted (GTCT; older notation c.946-20_946-17delGTCT).
Molecular consequence: intron variant.
Genome position (GRCh38, 1-based): chr4:120,799,762-120,799,765, AGAC deleted on the plus strand (GTCT on the coding strand, the reverse complement: PRDM5 is on the minus strand); deleting any 4 consecutive bases within chr4:120,799,762-120,799,767 gives the same sequence; the c. name uses the placement nearest the transcript's 3' end. VCF-style (leftmost placement, unchanged base first): chr4-120799761-TAGAC-T. GRCh37 (hg19) VCF-style: chr4-121720916-TAGAC-T.
Other names: c.946-20_946-17delGTCT (NM_018699.2, NM_018699.4); c.853-20_853-17del (NM_001300824.2, NM_001379106.1, NM_001300823.2); c.946-20_946-17del (NM_001379104.1).
Identifiers: ClinVar variation 423037 (VCV000423037.9), dbSNP rs755237174, ClinGen allele CA3061203.

ClinVar aggregate classification (germline): Likely benign. Review status: criteria provided, multiple submitters, no conflicts (2 of 4 stars). 3 submissions from 3 submitters: Likely benign (3). Last evaluated 2026-01-16.

Submissions (3):

Labcorp Genetics (formerly Invitae), Labcorp
Classification: Likely benign. Last evaluated: 2026-01-16. Review status: criteria provided, single submitter. Criteria: Invitae Variant Classification Sherloc (09022015). Collection method: clinical testing. Allele origin: germline.

Women's Health and Genetics/Laboratory Corporation of America, LabCorp
Classification: Likely benign. Last evaluated: 2025-02-21. Review status: criteria provided, single submitter. Criteria: LabCorp Variant Classification Summary - May 2015. Collection method: clinical testing. Allele origin: germline.
Comment: Variant summary: PRDM5 c.946-20_946-17delGTCT alters a non-conserved nucleotide located at a position not widely known to affect splicing. Consensus agreement among computation tools predict no significant impact on normal splicing. However, these predictions have yet to be confirmed by functional studies. The variant allele was found at a frequency of 0.00026 in 245052 control chromosomes. This frequency is not significantly higher than estimated for a pathogenic variant in PRDM5 causing Brittle cornea syndrome 2, allowing no conclusion about variant significance. To our knowledge, no occurrence of c.946-20_946-17delGTCT in individuals affected with Brittle cornea syndrome 2 and no experimental evidence demonstrating its impact on protein function have been reported. ClinVar contains an entry for this variant (Variation ID: 423037). Based on the evidence outlined above, the variant was classified as likely benign.

GeneDx
Classification: Likely benign. Last evaluated: 2017-01-17. Review status: criteria provided, single submitter. Criteria: GeneDx Variant Classification (06012015). Collection method: clinical testing. Allele origin: germline. Affected: yes.
Comment: This variant is considered likely benign or benign based on one or more of the following criteria: it is a conservative change, it occurs at a poorly conserved position in the protein, it is predicted to be benign by multiple in silico algorithms, and/or has population frequency not consistent with disease.